The following is an entry in ClinVar:

NM_024757.5(EHMT1):c.3036-1G>A

Gene: EHMT1 (euchromatic histone lysine methyltransferase 1; plus strand). Cytogenetic location: 9q34.3.
Variant type: single nucleotide variant.
Coding change: c.3036-1G>A on transcript NM_024757.5 (MANE Select); the canonical splice acceptor site of the intron before coding-DNA position 3036, G replaced by A.
Molecular consequence: splice acceptor variant.
Genome position (GRCh38, 1-based): chr9:137,813,385, G>A. VCF-style: chr9-137813385-G-A. GRCh37 (hg19) VCF-style: chr9-140707837-G-A.
Other names: c.3015-1G>A (NM_001354263.2).
Identifiers: ClinVar variation 3065513 (VCV003065513.2), dbSNP rs2538660511, ClinGen allele CA375793779.

ClinVar aggregate classification (germline): Pathogenic/Likely pathogenic. Review status: criteria provided, multiple submitters, no conflicts (2 of 4 stars). 2 submissions from 2 submitters: Pathogenic (1); Likely pathogenic (1). Last evaluated 2024-11-01.

Conditions:
Kleefstra syndrome 1 (KLEFS1). Identifiers: Orphanet 261494, MedGen C0795833, MONDO:0027407, OMIM 610253.

Submissions (2):

Clinical Genetics Center, Xinhua Hospital affiliated to Shanghai Jiao Tong University School of Medicine
Classification: Pathogenic for Kleefstra syndrome 1. Last evaluated: 2024-11-01. Review status: criteria provided, single submitter. Criteria: ACMG Guidelines, 2015. Collection method: clinical testing. Allele origin: de novo. Affected: yes.
Comment: PVS1+PM6+PM2_Supporting

Genomic Medicine Center of Excellence, King Faisal Specialist Hospital and Research Centre
Classification: Likely pathogenic for Kleefstra syndrome 1. Last evaluated: 2024-03-26. Review status: criteria provided, single submitter. Criteria: ACMG Guidelines, 2015. Collection method: clinical testing. Allele origin: germline.